The following is an entry in ClinVar:

NM_015909.4(NBAS):c.2651A>G (p.Asn884Ser)

Gene: NBAS (NBAS subunit of NRZ tethering complex; minus strand). Cytogenetic location: 2p24.3.
Variant type: single nucleotide variant.
Coding change: c.2651A>G on transcript NM_015909.4 (MANE Select); coding-DNA position 2651, A replaced by G.
Protein change: p.Asn884Ser; replaces asparagine 884 with serine.
Molecular consequence: missense variant. On other transcripts: non-coding transcript variant (1).
Genome position (GRCh38, 1-based): chr2:15,417,639, T>C on the plus strand (A>G on the coding strand, the complement: NBAS is on the minus strand). VCF-style: chr2-15417639-T-C. GRCh37 (hg19) VCF-style: chr2-15557763-T-C.
Other names: c.2651A>G (NM_015909.2, NM_015909.3); short protein forms N884S.
Identifiers: ClinVar variation 1490833 (VCV001490833.7), dbSNP rs758091135, ClinGen allele CA1536287.

ClinVar aggregate classification (germline): Uncertain significance. Review status: criteria provided, multiple submitters, no conflicts (2 of 4 stars). 3 submissions from 3 submitters: Uncertain significance (3). Last evaluated 2026-09-21.

Conditions:
NBAS-related disorder. Also called: NBAS-related condition.
Inborn genetic diseases. Identifiers: MedGen C0950123, MeSH D030342.

Allele frequency attached by ClinVar (database versions not stated): gnomAD exomes below 0.00001 and 0.00001; ExAC 0.00001; gnomAD 0.00003 and 0.00004; TOPMed 0.00007.
gnomAD v4.1: 15 of 1,613,864 alleles (0.00093%); highest among the groups gnomAD compares: African/African-American, 0.008%; no homozygotes.

Submissions (3):

PreventionGenetics, part of Exact Sciences
Classification: Uncertain significance for NBAS-related condition. Last evaluated: 2026-09-21. Review status: criteria provided, single submitter. Criteria: ACMG Guidelines, 2015. Collection method: clinical testing. Allele origin: germline.
Comment: The NBAS c.2651A>G variant is predicted to result in the amino acid substitution p.Asn884Ser. To our knowledge, this variant has not been reported in the literature. This variant is present in 0.0029% of alleles in individuals of Latino descent in gnomAD. At this time, the clinical significance of this variant is uncertain due to the absence of conclusive functional and genetic evidence.

Ambry Genetics
Classification: Uncertain significance for Inborn genetic diseases. Last evaluated: 2025-12-15. Review status: criteria provided, single submitter. Criteria: Ambry Variant Classification Scheme 2023. Collection method: clinical testing. Allele origin: germline.
Comment: The c.2651A>G (p.N884S) alteration is located in exon 24 (coding exon 24) of the NBAS gene. This alteration results from a A to G substitution at nucleotide position 2651, causing the asparagine (N) at amino acid position 884 to be replaced by a serine (S). Based on data from gnomAD, the G allele has an overall frequency of <0.001% (1/251236) total alleles studied. The highest observed frequency was 0.003% (1/34588) of Latino alleles. Based on insufficient or conflicting evidence, the clinical significance of this alteration remains unclear.

Labcorp Genetics (formerly Invitae), Labcorp
Classification: Uncertain significance. Last evaluated: 2024-04-29. Review status: criteria provided, single submitter. Criteria: Invitae Variant Classification Sherloc (09022015). Collection method: clinical testing. Allele origin: germline.
Comment: This sequence change replaces asparagine, which is neutral and polar, with serine, which is neutral and polar, at codon 884 of the NBAS protein (p.Asn884Ser). This variant is present in population databases (rs758091135, gnomAD 0.003%). This variant has not been reported in the literature in individuals affected with NBAS-related conditions. ClinVar contains an entry for this variant (Variation ID: 1490833). Advanced modeling of protein sequence and biophysical properties (such as structural, functional, and spatial information, amino acid conservation, physicochemical variation, residue mobility, and thermodynamic stability) performed at Invitae indicates that this missense variant is not expected to disrupt NBAS protein function with a negative predictive value of 95%. In summary, the available evidence is currently insufficient to determine the role of this variant in disease. Therefore, it has been classified as a Variant of Uncertain Significance.